The following is an entry in ClinVar:

ClinVar aggregate classification (germline): Uncertain significance (1 of 4 stars; one submission).

Conditions:
KMT2D-related disorder. Also called: KMT2D-Related Disorders.

gnomAD v4.1: 4 of 1,613,766 alleles (0.00025%); highest among the groups gnomAD compares: Admixed American, 0.0017%; no homozygotes.

Submission:

PreventionGenetics, part of Exact Sciences
Classification: Uncertain significance for KMT2D-related condition. Last evaluated: 2026-02-06. Review status: criteria provided, single submitter. Criteria: ACMG Guidelines, 2015. Collection method: clinical testing. Allele origin: germline.
Comment: The KMT2D c.4090G>A variant is predicted to result in the amino acid substitution p.Val1364Met. To our knowledge, this variant has not been reported in the literature. This variant is reported in 0.0065% of alleles in individuals of African descent in gnomAD. At this time, the clinical significance of this variant is uncertain due to the absence of conclusive functional and genetic evidence.

NM_003482.4(KMT2D):c.4090G>A (p.Val1364Met)

Gene: KMT2D (lysine methyltransferase 2D; minus strand). Cytogenetic location: 12q13.12.
Variant type: single nucleotide variant.
Coding change: c.4090G>A on transcript NM_003482.4 (MANE Select); coding-DNA position 4090, G replaced by A.
Protein change: p.Val1364Met; replaces valine 1364 with methionine.
Molecular consequence: missense variant.
Genome position (GRCh38, 1-based): chr12:49,048,700, C>T on the plus strand (G>A on the coding strand, the complement: KMT2D is on the minus strand). VCF-style: chr12-49048700-C-T. GRCh37 (hg19) VCF-style: chr12-49442483-C-T.
Other names: short protein forms V1364M.
Identifiers: ClinVar variation 4977122 (VCV004977122.1).
Genomic context (GRCh38, chr12:49,048,700, plus strand): 5'-AGGTCTCACTGTATGGTACCTGCATTAGGACAAATTTGTCTGTGTTGGAGAAGAGAACCA[C>T]GGTATTCTGCATGGTGTCATCATCTTCTTCCTCCTCCTCCTTACTGGGAGAGCTATCAAT-3'
Protein context (NP_003473.3, residues 1354-1374): EEDDDTMQNT[Val1364Met]VLFSNTDKFV